The following is an entry in ClinVar:

ClinVar aggregate classification (germline): Likely pathogenic (1 of 4 stars; one submission).

Conditions:
Alport syndrome. Also called: Hemorrhagic familial nephritis; Hemorrhagic hereditary nephritis; Congenital hereditary hematuria. Identifiers: Orphanet 63, MedGen C1567741, MONDO:0018965.

Submission:

Natera, Inc.
Classification: Likely pathogenic for Alport syndrome. Last evaluated: 2025-12-31. Review status: criteria provided, single submitter. Criteria: Natera Variant Classification Schema (03/2026). Collection method: clinical testing. Allele origin: germline.
Comment: The c.742del variant in COL4A4 is a frameshift variant predicted to shift the reading frame beginning at codon 248 and leads to a stop codon 13 codons downstream. This variant is expected to result in nonsense mediated decay, truncation, or a dysfunctional protein product. This variant is rare in the general population with a frequency below the threshold expected for the associated phenotype(s). Given the available evidence, this variant is classified as Likely Pathogenic.

NM_000092.5(COL4A4):c.742del (p.Val248fs)

Gene: COL4A4 (collagen type IV alpha 4 chain; minus strand). Cytogenetic location: 2q36.3.
Variant type: Deletion.
Coding change: c.742del on transcript NM_000092.5 (MANE Select); coding-DNA position 742, one base deleted (G; older notation c.742delG).
Protein change: p.Val248fs; shifts the reading frame from valine 248.
Molecular consequence: frameshift variant.
Genome position (GRCh38, 1-based): chr2:227,104,046, C deleted on the plus strand (G on the coding strand, the reverse complement: COL4A4 is on the minus strand); the first of 2 consecutive C bases (chr2:227,104,046-227,104,047); deleting either gives the same sequence. VCF-style (leftmost placement, unchanged base first): chr2-227104045-AC-A. GRCh37 (hg19) VCF-style: chr2-227968761-AC-A.
Other names: c.741delG, p.Val248Leufs (NM_000092.4); short protein forms V248fs.
Identifiers: ClinVar variation 4817349 (VCV004817349.1).